The following is an entry in ClinVar:

NM_194248.3(OTOF):c.5292-2A>C

Gene: OTOF (otoferlin; minus strand). Cytogenetic location: 2p23.3.
Variant type: single nucleotide variant.
Coding change: c.5292-2A>C on transcript NM_194248.3 (MANE Select); the canonical splice acceptor site of the intron before coding-DNA position 5292, A replaced by C.
Molecular consequence: splice acceptor variant.
Genome position (GRCh38, 1-based): chr2:26,461,939, T>G on the plus strand (A>C on the coding strand, the complement: OTOF is on the minus strand). VCF-style: chr2-26461939-T-G. GRCh37 (hg19) VCF-style: chr2-26684807-T-G.
Other names: c.5292-2A>C (NM_001287489.2); c.2991-2A>C (NM_194323.3, NM_004802.4); c.3222-2A>C (NM_194322.3).
Identifiers: ClinVar variation 4879912 (VCV004879912.1).

ClinVar aggregate classification (germline): Pathogenic (0 of 4 stars; one submission).

Conditions:
Autosomal recessive nonsyndromic hearing loss 9. Also called: NEUROSENSORY NONSYNDROMIC RECESSIVE DEAFNESS 9; OTOF-Related Hearing Loss; Deafness, autosomal recessive 9; AUDITORY NEUROPATHY, AUTOSOMAL RECESSIVE, 1, TEMPERATURE-SENSITIVE. Identifiers: Orphanet 90636, MedGen C1832828, MONDO:0010986, OMIM 601071.

gnomAD v4.1: 1 of 1,614,050 alleles (0.000062%); highest among the groups gnomAD compares: Non-Finnish European, 0.000085%; no homozygotes.

Submission:

Diagnosis and Treatment Center of Genetic Hearing Loss, Eye & ENT Hospital of Fudan University
Classification: Pathogenic for Autosomal recessive nonsyndromic hearing loss 9. Last evaluated: 2026-02-04. Review status: no assertion criteria provided. Collection method: clinical testing. Allele origin: germline. Inheritance: Autosomal recessive inheritance. Affected: yes.
Comment: The c.5292-2A>C splice acceptor variant in OTOF is predicted to disrupt splicing (PVS1). It is absent from population databases (PM2_Supporting). One homozygous patient has been reported (PM3_Supporting). In a 6‑member family, two affected siblings were homozygous, while two healthy siblings were wild‑type/heterozygous (PP1) (PMID: 37189200).

Literature cited by the submitters: PubMed 37189200.